The following is an entry in ClinVar:

NM_000334.4(SCN4A):c.4303G>C (p.Asp1435His)

Genes: GH-LCR (growth hormone locus control region; plus strand), SCN4A (sodium voltage-gated channel alpha subunit 4; minus strand). Cytogenetic location: 17q23.3.
Variant type: single nucleotide variant.
Coding change: c.4303G>C on transcript NM_000334.4 (MANE Select); coding-DNA position 4303, G replaced by C.
Protein change: p.Asp1435His; replaces aspartic acid 1435 with histidine.
Molecular consequence: missense variant.
Genome position (GRCh38, 1-based): chr17:63,941,979, C>G on the plus strand (G>C on the coding strand, the complement: SCN4A is on the minus strand). VCF-style: chr17-63941979-C-G. GRCh37 (hg19) VCF-style: chr17-62019339-C-G.
Other names: short protein forms D1435H.
Identifiers: ClinVar variation 805393 (VCV000805393.8), dbSNP rs776355318, ClinGen allele CA8708996.

ClinVar aggregate classification (germline): Uncertain significance. Review status: criteria provided, multiple submitters, no conflicts (2 of 4 stars). 3 submissions from 3 submitters: Uncertain significance (3). Last evaluated 2023-05-23.

Conditions:
Paramyotonia congenita of Von Eulenburg. Also called: PARALYSIS PERIODICA PARAMYOTONICA; Eulenburg disease; Myotonia congenita intermittens; Von Eulenburg paramyotonia congenita; Paramyotonia Congenita. Identifiers: Orphanet 684, MedGen C0221055, MONDO:0008195, OMIM 168300. Disease mechanism: loss of function.
Hypokalemic periodic paralysis, type 2 (HOKPP2). Identifiers: Orphanet 681, MedGen C2750061, MONDO:0013234, OMIM 613345.
Hyperkalemic periodic paralysis. Also called: Familial hyperkalemic periodic paralysis; Gamstorp disease. Identifiers: Orphanet 682, MedGen C0238357, MONDO:0008224, OMIM 170500, HP:0007215.
Hypokalemic periodic paralysis, type 1. Also called: Hypokalemic Periodic Paralysis Type 1 (AD); HypoPP. Identifiers: Orphanet 681, MedGen C3714580, MONDO:0042979, OMIM 170400.
Potassium-aggravated myotonia. Also called: MYOTONIA CONGENITA, ACETAZOLAMIDE-RESPONSIVE; MYOTONIA CONGENITA, ATYPICAL; SODIUM CHANNEL MUSCLE DISEASE; Myotonia congenita, atypical, acetazolamide-responsive. Identifiers: Orphanet 612, Orphanet 99734, Orphanet 99735, Orphanet 99736, MedGen C2931826, MONDO:0018959, OMIM 608390.
Congenital myasthenic syndrome 16. Identifiers: Orphanet 590, MedGen C3280112, MONDO:0013620, OMIM 614198.

Allele frequency attached by ClinVar (database versions not stated): ExAC 0.00002; gnomAD exomes 0.00001; gnomAD 0.00003; TOPMed 0.00003.
gnomAD v4.1: 100 of 1,576,258 alleles (0.0063%); highest among the groups gnomAD compares: Non-Finnish European, 0.0085%; no homozygotes.

Submissions (3):

Labcorp Genetics (formerly Invitae), Labcorp
Classification: Uncertain significance for Hyperkalemic periodic paralysis. Last evaluated: 2023-05-23. Review status: criteria provided, single submitter. Criteria: Invitae Variant Classification Sherloc (09022015). Collection method: clinical testing. Allele origin: germline.
Comment: This sequence change replaces aspartic acid, which is acidic and polar, with histidine, which is basic and polar, at codon 1435 of the SCN4A protein (p.Asp1435His). This variant is present in population databases (rs776355318, gnomAD 0.004%). This variant has not been reported in the literature in individuals affected with SCN4A-related conditions. ClinVar contains an entry for this variant (Variation ID: 805393). Advanced modeling of protein sequence and biophysical properties (such as structural, functional, and spatial information, amino acid conservation, physicochemical variation, residue mobility, and thermodynamic stability) has been performed at Invitae for this missense variant, however the output from this modeling did not meet the statistical confidence thresholds required to predict the impact of this variant on SCN4A protein function. In summary, the available evidence is currently insufficient to determine the role of this variant in disease. Therefore, it has been classified as a Variant of Uncertain Significance.

Fulgent Genetics
Classification: Uncertain significance for Paramyotonia congenita of Von Eulenburg; Hypokalemic periodic paralysis, type 1; Hyperkalemic periodic paralysis; Potassium-aggravated myotonia; Hypokalemic periodic paralysis, type 2; Congenital myasthenic syndrome 16. Last evaluated: 2021-10-04. Review status: criteria provided, single submitter. Criteria: ACMG Guidelines, 2015. Collection method: clinical testing. Allele origin: unknown.

Athena Diagnostics
Classification: Uncertain significance. Last evaluated: 2019-04-09. Review status: criteria provided, single submitter. Criteria: Athena Diagnostics Criteria. Collection method: clinical testing. Allele origin: germline.